The following is an entry in ClinVar:

ClinVar aggregate classification (germline): Uncertain significance (1 of 4 stars; one submission).

Conditions:
Cardiovascular phenotype. Identifiers: MedGen CN230736.

Submission:

Ambry Genetics
Classification: Uncertain significance for Cardiovascular phenotype. Last evaluated: 2023-08-29. Review status: criteria provided, single submitter. Criteria: Ambry Variant Classification Scheme 2023. Collection method: clinical testing. Allele origin: germline.
Comment: The p.P981L variant (also known as c.2942C>T), located in coding exon 21 of the LAMA4 gene, results from a C to T substitution at nucleotide position 2942. The proline at codon 981 is replaced by leucine, an amino acid with similar properties. This amino acid position is conserved. In addition, this alteration is predicted to be deleterious by in silico analysis. Since supporting evidence is limited at this time, the clinical significance of this alteration remains unclear.

NM_001105206.3(LAMA4):c.2963C>T (p.Pro988Leu)

Gene: LAMA4 (laminin subunit alpha 4; minus strand). Cytogenetic location: 6q21.
Variant type: single nucleotide variant.
Coding change: c.2963C>T on transcript NM_001105206.3 (MANE Select); coding-DNA position 2963, C replaced by T.
Protein change: p.Pro988Leu; replaces proline 988 with leucine.
Molecular consequence: missense variant.
Genome position (GRCh38, 1-based): chr6:112,140,773, G>A on the plus strand (C>T on the coding strand, the complement: LAMA4 is on the minus strand). VCF-style: chr6-112140773-G-A. GRCh37 (hg19) VCF-style: chr6-112461975-G-A.
Other names: c.2942C>T, p.Pro981Leu (NM_001105207.3, NM_002290.5); short protein forms P981L, P988L.
Identifiers: ClinVar variation 2625049 (VCV002625049.2), dbSNP rs2547023948, ClinGen allele CA365379512.
Genomic context (GRCh38, chr6:112,140,773, plus strand): 5'-AATTACTGTAGATTTGTAATAGGTCAAAATATAGCTGTATGGCTGACCTTGAAGTTGGAA[G>A]GCACTCCACCAACATAAAACACTGTGTCCTCAGGGTCCAGGTCCAGCAGAGAGTCATCTC-3'
Protein context (NP_001098676.2, residues 978-998): EDTVFYVGGV[Pro988Leu]SNFKLPTSLN